The following is an entry in ClinVar:

ClinVar aggregate classification (germline): Likely pathogenic (1 of 4 stars; one submission).

Submission:

Dasa
Classification: Likely pathogenic. Last evaluated: 2026-01-02. Review status: criteria provided, single submitter. Criteria: DASA Assertion Criteria. Collection method: clinical testing. Allele origin: germline.
Comment: NM_001042492.3(NF1):c.4198_4207dup (p.Gly1403Glufs*24) is a frameshift variant in NF1 predicted to alter the reading frame and introduce a premature termination codon and is predicted to result in an absent or altered protein product. Loss of function is an established disease mechanism for NF1 (PMID: 1757093; PMID: 1302608; PMID: 34427956). Also, this variant is rare in population databases. Based on the currently available evidence, this variant is classified as likely pathogenic.

Literature cited by the submitters: PubMed 1757093; PubMed 1302608; PubMed 34427956.

NM_001042492.3(NF1):c.4198_4207dup (p.Gly1403fs)

Gene: NF1 (neurofibromin 1; plus strand). Cytogenetic location: 17q11.2.
Variant type: Duplication.
Coding change: c.4198_4207dup on transcript NM_001042492.3 (MANE Select); coding-DNA positions 4198 to 4207, 10 bases duplicated (AACAGCATCG; older notation c.4198_4207dupAACAGCATCG).
Protein change: p.Gly1403fs; shifts the reading frame from glycine 1403.
Molecular consequence: frameshift variant.
Genome position (GRCh38, 1-based): chr17:31,258,368-31,258,377, AACAGCATCG duplicated; duplicating any 10 consecutive bases within chr17:31,258,367-31,258,377 gives the same sequence; the c. name uses the placement nearest the transcript's 3' end. VCF-style (leftmost placement, unchanged base first): chr17-31258366-A-AGAACAGCATC. GRCh37 (hg19) VCF-style: chr17-29585384-A-AGAACAGCATC.
Other names: c.4135_4144dup, p.Gly1382fs (NM_000267.4); short protein forms G1382fs, G1403fs.
Identifiers: ClinVar variation 4880793 (VCV004880793.2).
Genomic context (GRCh38, chr17:31,258,366, plus strand): 5'-TCAAACCTTATACTCAATTCTCAACTCCTTGTTTTTAGGTGGTTAGCCAGCGTTTCCCTC[A>AGAACAGCATC]GAACAGCATCGGTGCAGTAGGAAGTGCCATGTTCCTCAGATTTATCAATCCTGCCATTGT-3'